The following is an entry in ClinVar:

ClinVar aggregate classification (germline): Uncertain significance. Review status: criteria provided, multiple submitters, no conflicts (2 of 4 stars). 5 submissions from 5 submitters: Uncertain significance (4). 1 of the submissions does not count toward it. Last evaluated 2026-06-19.

Conditions:
Hereditary breast ovarian cancer syndrome. Also called: Hereditary breast and/or ovarian cancer syndrome; Hereditary breast and ovarian cancer; Hereditary breast and ovarian cancer syndrome (HBOC); BRCA1- and BRCA2-Associated Hereditary Breast and Ovarian Cancer; Hereditary breast and ovarian cancer syndrome; Breast and ovarian cancer. Identifiers: Orphanet 145, MedGen C0677776, MeSH D061325, MONDO:0003582. Disease mechanism: loss of function.
Lipodystrophy - childhood onset.
Hereditary cancer-predisposing syndrome. Also called: Hereditary neoplastic syndrome; Tumor predisposition; Neoplastic Syndromes, Hereditary; Hereditary Cancer Syndrome. Identifiers: Orphanet 140162, MedGen C0027672, MeSH D009386, MONDO:0015356.
Bloom syndrome (BLM). Also called: Bloom-Torre-Machacek syndrome. Identifiers: Orphanet 125, MedGen C0005859, MONDO:0008876, OMIM 210900.

Allele frequency attached by ClinVar (database versions not stated): gnomAD exomes below 0.00001 and 0.00001; gnomAD 0.00001; TOPMed 0.00001.
gnomAD v4.1: 7 of 1,614,090 alleles (0.00043%); highest among the groups gnomAD compares: East Asian, 0.013%; no homozygotes.

Submissions (5):

Cambridge Genomics Laboratory, East Genomic Laboratory Hub, NHS Genomic Medicine Service
Classification: Uncertain significance for Lipodystrophy - childhood onset. Last evaluated: 2026-06-19. Review status: criteria provided, single submitter. Criteria: ACGS Best Practice Guidelines for Variant Classification in Rare Disease 2020. Collection method: clinical testing. Allele origin: germline. Affected: yes.
Comment: PM2_Supporting,BP4

Ambry Genetics
Classification: Uncertain significance for Hereditary cancer-predisposing syndrome. Last evaluated: 2025-08-07. Review status: criteria provided, single submitter. Criteria: Ambry Variant Classification Scheme 2023. Collection method: clinical testing. Allele origin: germline.
Comment: The p.N1162S variant (also known as c.3485A>G), located in coding exon 17 of the BLM gene, results from an A to G substitution at nucleotide position 3485. The asparagine at codon 1162 is replaced by serine, an amino acid with highly similar properties. This amino acid position is conserved. In addition, this alteration is predicted to be tolerated by in silico analysis. Since supporting evidence is limited at this time, the clinical significance of this alteration remains unclear.

Labcorp Genetics (formerly Invitae), Labcorp
Classification: Uncertain significance for Bloom syndrome. Last evaluated: 2024-05-15. Review status: criteria provided, single submitter. Criteria: Invitae Variant Classification Sherloc (09022015). Collection method: clinical testing. Allele origin: germline.
Comment: This sequence change replaces asparagine, which is neutral and polar, with serine, which is neutral and polar, at codon 1162 of the BLM protein (p.Asn1162Ser). This variant is present in population databases (no rsID available, gnomAD 0.006%). This variant has not been reported in the literature in individuals affected with BLM-related conditions. ClinVar contains an entry for this variant (Variation ID: 454139). Advanced modeling of protein sequence and biophysical properties (such as structural, functional, and spatial information, amino acid conservation, physicochemical variation, residue mobility, and thermodynamic stability) performed at Invitae indicates that this missense variant is not expected to disrupt BLM protein function with a negative predictive value of 80%. In summary, the available evidence is currently insufficient to determine the role of this variant in disease. Therefore, it has been classified as a Variant of Uncertain Significance.

Cancer Genomics Group, Japanese Foundation For Cancer Research
Classification: Uncertain significance for Hereditary breast and ovarian cancer syndrome. Last evaluated: 2019-05-01. Review status: criteria provided, single submitter. Criteria: ACMG Guidelines, 2015. Collection method: research. Allele origin: germline. Affected: yes.

Natera, Inc.
Classification: Uncertain significance for Bloom syndrome. Last evaluated: 2020-02-26. Review status: no assertion criteria provided. Collection method: clinical testing. Allele origin: germline. Not counted in ClinVar's aggregate classification.

NM_000057.4(BLM):c.3485A>G (p.Asn1162Ser)

Gene: BLM (BLM RecQ like helicase; plus strand). Cytogenetic location: 15q26.1.
Variant type: single nucleotide variant.
Coding change: c.3485A>G on transcript NM_000057.4 (MANE Select); coding-DNA position 3485, A replaced by G.
Protein change: p.Asn1162Ser; replaces asparagine 1162 with serine.
Molecular consequence: missense variant. On other transcripts: intron variant (1).
Genome position (GRCh38, 1-based): chr15:90,803,647, A>G. VCF-style: chr15-90803647-A-G. GRCh37 (hg19) VCF-style: chr15-91346877-A-G.
Other names: c.3485A>G, p.Asn1162Ser (NM_001287246.2); c.2360A>G, p.Asn787Ser (NM_001287248.2); c.3358+5310A>G (NM_001287247.2); c.3485A>G (NM_000057.2); short protein forms N1162S, N787S.
Identifiers: ClinVar variation 454139 (VCV000454139.16), dbSNP rs1237460907, ClinGen allele CA393847706.
Genomic context (GRCh38, chr15:90,803,647, plus strand): 5'-CCGAAAGACTTTTTAAAAAGCTGATACTTGACAAGATTTTGGATGAAGACTTATATATCA[A>G]TGCCAATGACCAGGCGATCGCTTATGTGATGCTCGGAAATAAAGCCCAAACTGTACTAAA-3'
Protein context (NP_000048.1, residues 1152-1172): DKILDEDLYI[Asn1162Ser]ANDQAIAYVM